The following is an entry in ClinVar:

NM_004960.4(FUS):c.1396G>A (p.Gly466Ser)

Gene: FUS (FUS RNA binding protein; plus strand). Cytogenetic location: 16p11.2.
Variant type: single nucleotide variant.
Coding change: c.1396G>A on transcript NM_004960.4 (MANE Select); coding-DNA position 1396, G replaced by A.
Protein change: p.Gly466Ser; replaces glycine 466 with serine.
Molecular consequence: missense variant. On other transcripts: non-coding transcript variant (1).
Genome position (GRCh38, 1-based): chr16:31,190,965, G>A. VCF-style: chr16-31190965-G-A. GRCh37 (hg19) VCF-style: chr16-31202286-G-A.
Other names: c.1393G>A, p.Gly465Ser (NM_001170634.1); c.1384G>A, p.Gly462Ser (NM_001170937.1); short protein forms G462S, G465S, G466S.
Identifiers: ClinVar variation 2455820 (VCV002455820.7), dbSNP rs747547178, ClinGen allele CA8024054.
Genomic context (GRCh38, chr16:31,190,965, plus strand): 5'-GAGGCTCGGGGAACATAGGGGAATGGGAATATGATAGATCTTGTTTCTTTTGTCCTAGGG[G>A]GTAACTACGGGGATGATCGTCGTGGTGGCAGAGGAGGCTATGATCGAGGCGGCTACCGGG-3'
Protein context (NP_004951.1, residues 456-476): GGGPGGSHMG[Gly466Ser]NYGDDRRGGR

ClinVar aggregate classification (germline): Conflicting classifications of pathogenicity. Review status: criteria provided, conflicting classifications (1 of 4 stars). 4 submissions from 4 submitters: Uncertain significance (3); Likely benign (1). Last evaluated 2026-05-14.

Conditions:
FUS-related disorder. Also called: FUS-related condition.
Inborn genetic diseases. Identifiers: MedGen C0950123, MeSH D030342.
Amyotrophic lateral sclerosis type 6. Also called: FUS-Related Amyotrophic Laterial Sclerosis; AMYOTROPHIC LATERAL SCLEROSIS 6 WITHOUT FRONTOTEMPORAL DEMENTIA; Amyotrophic lateral sclerosis 6, with or without frontotemporal dementia. Identifiers: Orphanet 275872, Orphanet 803, MedGen C2931786, MONDO:0011951, OMIM 608030.
Tremor, hereditary essential, 4 (ETM4). Identifiers: MedGen C3539195, MONDO:0013888, OMIM 614782.

Allele frequency attached by ClinVar (database versions not stated): gnomAD exomes 0.00002; ExAC 0.00003; TOPMed 0.00003; gnomAD 0.00004.
gnomAD v4.1: 43 of 1,612,420 alleles (0.0027%); highest among the groups gnomAD compares: Non-Finnish European, 0.0031%; no homozygotes.

Submissions (4):

Ambry Genetics
Classification: Likely benign for Inborn genetic diseases. Last evaluated: 2026-05-14. Review status: criteria provided, single submitter. Criteria: Ambry Variant Classification Scheme 2023. Collection method: clinical testing. Allele origin: germline.

Women's Health and Genetics/Laboratory Corporation of America, LabCorp
Classification: Uncertain significance. Last evaluated: 2026-01-21. Review status: criteria provided, single submitter. Criteria: LabCorp Variant Classification Summary - May 2015. Collection method: clinical testing. Allele origin: germline.
Comment: Variant summary: FUS c.1396G>A (p.Gly466Ser) results in a non-conservative amino acid change in the encoded protein sequence. Algorithms developed to predict the effect of missense changes on protein structure and function all suggest that this variant is likely to be disruptive. Several computational tools predict a significant impact on normal splicing: Three predict the variant creates a 5' donor site. However, these predictions have yet to be confirmed by functional studies. The variant allele was found at a frequency of 2.8e-05 in 250324 control chromosomes (gnomAD). The available data on variant occurrences in the general population are insufficient to allow any conclusion about variant significance. c.1396G>A has been observed in one individual affected with Amyotrophic Lateral Sclerosis (Fiorini_2023). The report does not provide unequivocal conclusions about association of the variant with Amyotrophic Lateral Sclerosis Type 6. To our knowledge, no experimental evidence demonstrating an impact on protein function has been reported. The following publication have been ascertained in the context of this evaluation (PMID: 40225153). ClinVar contains an entry for this variant (Variation ID: 2455820). Based on the evidence outlined above, the variant was classified as uncertain significance.

Labcorp Genetics (formerly Invitae), Labcorp
Classification: Uncertain significance for Tremor, hereditary essential, 4; Amyotrophic lateral sclerosis type 6. Last evaluated: 2025-11-06. Review status: criteria provided, single submitter. Criteria: Invitae Variant Classification Sherloc (09022015). Collection method: clinical testing. Allele origin: germline.
Comment: This sequence change replaces glycine, which is neutral and non-polar, with serine, which is neutral and polar, at codon 466 of the FUS protein (p.Gly466Ser). This variant is present in population databases (rs747547178, gnomAD 0.006%). This variant has not been reported in the literature in individuals affected with FUS-related conditions. ClinVar contains an entry for this variant (Variation ID: 2455820). An algorithm developed to predict the effect of missense changes on protein structure and function (PolyPhen-2) suggests that this variant is likely to be disruptive. In summary, the available evidence is currently insufficient to determine the role of this variant in disease. Therefore, it has been classified as a Variant of Uncertain Significance.

PreventionGenetics, part of Exact Sciences
Classification: Uncertain significance for FUS-related condition. Last evaluated: 2025-09-03. Review status: criteria provided, single submitter. Criteria: ACMG Guidelines, 2015. Collection method: clinical testing. Allele origin: germline.
Comment: The FUS c.1396G>A variant is predicted to result in the amino acid substitution p.Gly466Ser. This variant has been reported in a cohort of patients with amyotrophic lateral sclerosis but was also reported in a control (Table S4, Fiorini et al. 2023. PubMed ID: 40225153). This variant is reported in 0.010% of alleles in individuals of East Asian descent in gnomAD. At this time, the clinical significance of this variant is uncertain due to the absence of conclusive functional and genetic evidence.

Literature cited by the submitters: PubMed 40225153 (cited by Women's Health and Genetics/Laboratory Corporation of America, LabCorp).